The following is an entry in ClinVar:

ClinVar aggregate classification (germline): Uncertain significance (1 of 4 stars; one submission).

Conditions:
Hereditary nonpolyposis colorectal neoplasms. Identifiers: MedGen C0009405, MeSH D003123.

Allele frequency attached by ClinVar (database versions not stated): gnomAD exomes below 0.00001.
gnomAD v4.1: 1 of 1,614,178 alleles (0.000062%); highest among the groups gnomAD compares: Non-Finnish European, 0.000085%; no homozygotes.

Submission:

Labcorp Genetics (formerly Invitae), Labcorp
Classification: Uncertain significance for Hereditary nonpolyposis colorectal neoplasms. Last evaluated: 2025-08-04. Review status: criteria provided, single submitter. Criteria: Invitae Variant Classification Sherloc (09022015). Collection method: clinical testing. Allele origin: germline.
Comment: This sequence change replaces tyrosine, which is neutral and polar, with aspartic acid, which is acidic and polar, at codon 709 of the MSH6 protein (p.Tyr709Asp). This variant is not present in population databases (gnomAD no frequency). This variant has not been reported in the literature in individuals affected with MSH6-related conditions. ClinVar contains an entry for this variant (Variation ID: 845805). Invitae Evidence Modeling of protein sequence and biophysical properties (such as structural, functional, and spatial information, amino acid conservation, physicochemical variation, residue mobility, and thermodynamic stability) indicates that this missense variant is expected to disrupt MSH6 protein function with a positive predictive value of 95%. In summary, the available evidence is currently insufficient to determine the role of this variant in disease. Therefore, it has been classified as a Variant of Uncertain Significance.

NM_000179.3(MSH6):c.2125T>G (p.Tyr709Asp)

Gene: MSH6 (mutS homolog 6; plus strand). Cytogenetic location: 2p16.3.
Variant type: single nucleotide variant.
Coding change: c.2125T>G on transcript NM_000179.3 (MANE Select); coding-DNA position 2125, T replaced by G.
Protein change: p.Tyr709Asp; replaces tyrosine 709 with aspartic acid.
Molecular consequence: missense variant.
Genome position (GRCh38, 1-based): chr2:47,800,108, T>G. VCF-style: chr2-47800108-T-G. GRCh37 (hg19) VCF-style: chr2-48027247-T-G.
Other names: c.1735T>G, p.Tyr579Asp (NM_001281492.2); c.1219T>G, p.Tyr407Asp (NM_001281493.2, NM_001281494.2); short protein forms Y407D, Y579D, Y709D.
Identifiers: ClinVar variation 845805 (VCV000845805.10), dbSNP rs1669423193, ClinGen allele CA346751007.
Genomic context (GRCh38, chr2:47,800,108, plus strand): 5'-TTCTACCTCAAAAAATGCCTTATTGATCAGGAGCTTTTATCAATGGCTAATTTTGAAGAA[T>G]ATATTCCCTTGGATTCTGACACAGTCAGCACTACAAGATCTGGTGCTATCTTCACCAAAG-3'
Protein context (NP_000170.1, residues 699-719): ELLSMANFEE[Tyr709Asp]IPLDSDTVST